The following is an entry in ClinVar:

ClinVar aggregate classification (germline): Uncertain significance (1 of 4 stars; one submission).

Conditions:
UGT1A1-related disorder. Also called: UGT1A1-related disorders; UGT1A1-related condition.

Submission:

PreventionGenetics, part of Exact Sciences
Classification: Uncertain significance for UGT1A1-related condition. Last evaluated: 2026-05-15. Review status: criteria provided, single submitter. Criteria: ACMG Guidelines, 2015. Collection method: clinical testing. Allele origin: germline.
Comment: The UGT1A1 c.1379T>G variant is predicted to result in the amino acid substitution p.Phe460Cys. To our knowledge, this variant has not been reported in the literature or in a large population database (gnomAD), indicating this variant is rare. At this time, the clinical significance of this variant is uncertain due to the absence of conclusive functional and genetic evidence.

NM_000463.3(UGT1A1):c.1379T>G (p.Phe460Cys)

Genes: UGT1A (UDP glucuronosyltransferase family 1 member A complex locus; plus strand), UGT1A1 (UDP glucuronosyltransferase family 1 member A1; plus strand), UGT1A10 (UDP glucuronosyltransferase family 1 member A10; plus strand), UGT1A3 (UDP glucuronosyltransferase family 1 member A3; plus strand), UGT1A4 (UDP glucuronosyltransferase family 1 member A4; plus strand) and 5 more. Cytogenetic location: 2q37.1.
Variant type: single nucleotide variant.
Coding change: c.1379T>G on transcript NM_000463.3 (MANE Select); coding-DNA position 1379, T replaced by G.
Protein change: p.Phe460Cys; replaces phenylalanine 460 with cysteine.
Molecular consequence: missense variant.
Genome position (GRCh38, 1-based): chr2:233,772,336, T>G. VCF-style: chr2-233772336-T-G. GRCh37 (hg19) VCF-style: chr2-234680982-T-G.
Other names: c.1370T>G, p.Phe457Cys (NM_019075.4, NM_019076.5, NM_019077.3 and 1 more transcripts); c.1376T>G, p.Phe459Cys (NM_001072.4); c.575T>G, p.Phe192Cys (NM_205862.3); c.1382T>G, p.Phe461Cys (NM_019078.2, NM_007120.3, NM_019093.4); short protein forms F192C, F457C, F459C, F460C, F461C.
Identifiers: ClinVar variation 4993260 (VCV004993260.1).
Genomic context (GRCh38, chr2:233,772,336, plus strand): 5'-TCATGCGCCTCTCCAGCCTTCACAAGGACCGCCCGGTGGAGCCGCTGGACCTGGCCGTGT[T>G]CTGGGTGGAGTTTGTGATGAGGCACAAGGGCGCGCCACACCTGCGCCCCGCAGCCCACGA-3'
Protein context (NP_000454.1, residues 450-470): RPVEPLDLAV[Phe460Cys]WVEFVMRHKG